The following is an entry in ClinVar:

ClinVar aggregate classification (germline): Uncertain significance. Review status: criteria provided, multiple submitters, no conflicts (2 of 4 stars). 2 submissions from 2 submitters: Uncertain significance (2). Last evaluated 2025-09-14.

Conditions:
Inborn genetic diseases. Identifiers: MedGen C0950123, MeSH D030342.
Tatton-Brown-Rahman overgrowth syndrome. Also called: Tatton-Brown-Rahman syndrome; Tall stature-intellectual disability-facial dysmorphism syndrome. Identifiers: Orphanet 404443, MedGen C4014545, MONDO:0014382, OMIM 615879.

Allele frequency attached by ClinVar (database versions not stated): gnomAD exomes below 0.00001; TOPMed below 0.00001; ExAC 0.00001; gnomAD 0.00001; ESP Exome Variant Server 0.00008.
gnomAD v4.1: 5 of 1,612,234 alleles (0.00031%); highest among the groups gnomAD compares: African/African-American, 0.0013%; no homozygotes.

Submissions (2):

Labcorp Genetics (formerly Invitae), Labcorp
Classification: Uncertain significance for Tatton-Brown-Rahman overgrowth syndrome. Last evaluated: 2025-09-14. Review status: criteria provided, single submitter. Criteria: Invitae Variant Classification Sherloc (09022015). Collection method: clinical testing. Allele origin: germline.
Comment: This sequence change replaces serine, which is neutral and polar, with proline, which is neutral and non-polar, at codon 236 of the DNMT3A protein (p.Ser236Pro). This variant is not present in population databases (gnomAD no frequency). This variant has not been reported in the literature in individuals affected with DNMT3A-related conditions. ClinVar contains an entry for this variant (Variation ID: 2716955). Invitae Evidence Modeling of protein sequence and biophysical properties (such as structural, functional, and spatial information, amino acid conservation, physicochemical variation, residue mobility, and thermodynamic stability) indicates that this missense variant is not expected to disrupt DNMT3A protein function with a negative predictive value of 95%. In summary, the available evidence is currently insufficient to determine the role of this variant in disease. Therefore, it has been classified as a Variant of Uncertain Significance.

Ambry Genetics
Classification: Uncertain significance for Inborn genetic diseases. Last evaluated: 2025-02-22. Review status: criteria provided, single submitter. Criteria: Ambry Variant Classification Scheme 2023. Collection method: clinical testing. Allele origin: germline.
Comment: The p.S236P variant (also known as c.706T>C), located in coding exon 6 of the DNMT3A gene, results from a T to C substitution at nucleotide position 706. The serine at codon 236 is replaced by proline, an amino acid with similar properties. This amino acid position is conserved. In addition, this alteration is predicted to be tolerated by in silico analysis. Based on the available evidence, the clinical significance of this variant remains unclear.

NM_022552.5(DNMT3A):c.706T>C (p.Ser236Pro)

Gene: DNMT3A (DNA methyltransferase 3 alpha; minus strand). Cytogenetic location: 2p23.3.
Variant type: single nucleotide variant.
Coding change: c.706T>C on transcript NM_022552.5 (MANE Select); coding-DNA position 706, T replaced by C.
Protein change: p.Ser236Pro; replaces serine 236 with proline.
Molecular consequence: missense variant. On other transcripts: non-coding transcript variant (1).
Genome position (GRCh38, 1-based): chr2:25,248,186, A>G on the plus strand (T>C on the coding strand, the complement: DNMT3A is on the minus strand). VCF-style: chr2-25248186-A-G. GRCh37 (hg19) VCF-style: chr2-25471055-A-G.
Other names: c.250T>C, p.Ser84Pro (NM_001320893.1); c.37T>C, p.Ser13Pro (NM_001375819.1); c.139T>C, p.Ser47Pro (NM_153759.3); c.706T>C, p.Ser236Pro (NM_175629.2); c.706T>C (NM_022552.3); short protein forms S13P, S47P, S236P, S84P.
Identifiers: ClinVar variation 2716955 (VCV002716955.4), dbSNP rs144134652, ClinGen allele CA1556325.